The following is an entry in ClinVar:

NM_001267550.2(TTN):c.35186AAG[1] (p.Glu11730del)

Gene: TTN (titin; minus strand). Cytogenetic location: 2q31.2.
Variant type: Microsatellite.
Coding change: c.35186AAG[1] on transcript NM_001267550.2 (MANE Select); one copy of the 3-base unit AAG starting at c.35186; the reference has two copies in a row; one copy, 3 bases deleted; also written c.35189_35191del.
Protein change: p.Glu11730del; deletes glutamic acid 11730.
Molecular consequence: inframe deletion. On other transcripts: intron variant (3).
Genome position (GRCh38, 1-based): chr2:178,672,007-178,672,009, CTT deleted on the plus strand (AAG on the coding strand, the reverse complement: TTN is on the minus strand); deleting any 3 consecutive bases within chr2:178,672,007-178,672,013 gives the same sequence; the position shown is the placement nearest the transcript's 3' end. VCF-style (leftmost placement, unchanged base first): chr2-178672006-ACTT-A. GRCh37 (hg19) VCF-style: chr2-179536733-ACTT-A.
Other names: p.Glu10429del; c.34064AAG[1], p.Glu11356del (NM_001256850.1); c.31283AAG[1], p.Glu10429del (NM_133378.4); c.13283-29692_13283-29690del (NM_003319.4); c.13859-29692_13859-29690del (NM_133437.4); c.13658-29692_13658-29690del (NM_133432.3); c.31286_31288del (NM_133378.4); c.35189_35191del (NM_001267550.2); short protein forms E10429del, E11356del, E11730del.
Identifiers: ClinVar variation 1284389 (VCV001284389.30), dbSNP rs1348719464, ClinGen allele CA538436419.
Genomic context (GRCh38, chr2:178,672,006, plus strand): 5'-GTAGTATTTGAAGAATTCCCTATACCTTTAGGTGGAGCTTTTGGTTTTTCAAATACTTCC[ACTT>A]CTTCAGCCTCAAAAACTTCTATTACCCTATGAACTTTTTCAACTCTGTGTTCTTCTTCAA-3'

ClinVar aggregate classification (germline): Uncertain significance. Review status: criteria provided, multiple submitters, no conflicts (2 of 4 stars). 6 submissions from 6 submitters: Uncertain significance (3). 3 of the submissions do not count toward it. Last evaluated 2025-10-11.

Submissions (6):

Mayo Clinic Laboratories, Mayo Clinic
Classification: Uncertain significance. Last evaluated: 2025-10-11. Review status: criteria provided, single submitter. Criteria: ACMG Guidelines, 2015. Collection method: clinical testing. Allele origin: germline. Observed: 1 variant allele.
Comment: PM4

Dasa
Classification: Uncertain significance. Last evaluated: 2024-05-15. Review status: criteria provided, single submitter. Criteria: DASA Assertion Criteria. Collection method: clinical testing. Allele origin: germline.
Comment: NM_001267550.2(TTN):c.35189_35191del (p.Glu11730del) is an in-frame deletion predicted to remove glutamic acid at protein position 11730 without shifting the reading frame. This variant is absent from population databases. The currently available literature and clinical evidence are not sufficient to establish a definitive association between this variant and the reported condition. Therefore, this variant is classified as a variant of uncertain significance.

CeGaT Center for Human Genetics Tuebingen
Classification: Uncertain significance. Last evaluated: 2023-07-01. Review status: criteria provided, single submitter. Criteria: CeGaT Center For Human Genetics Tuebingen Variant Classification Criteria Version 2. Collection method: clinical testing. Allele origin: germline. Affected: yes. Observed: 1 variant allele.
Comment: TTN: PM4

Clinical Genetics DNA and cytogenetics Diagnostics Lab, Erasmus MC, Erasmus Medical Center
Classification: Uncertain significance. Review status: no assertion criteria provided. Collection method: clinical testing. Allele origin: germline. Affected: yes. Study: VKGL Data-share Consensus. Not counted in ClinVar's aggregate classification.

Clinical Genetics, Academic Medical Center
Classification: Uncertain significance. Review status: no assertion criteria provided. Collection method: clinical testing. Allele origin: germline. Affected: yes. Study: VKGL Data-share Consensus. Not counted in ClinVar's aggregate classification.

Diagnostic Laboratory, Department of Genetics, University Medical Center Groningen
Classification: Uncertain significance. Review status: no assertion criteria provided. Collection method: clinical testing. Allele origin: germline. Affected: yes. Study: VKGL Data-share Consensus. Not counted in ClinVar's aggregate classification.